The following is an entry in ClinVar:

NM_020631.6(PLEKHG5):c.1543-5C>T

Gene: PLEKHG5 (pleckstrin homology and RhoGEF domain containing G5; minus strand). Cytogenetic location: 1p36.31.
Variant type: single nucleotide variant.
Coding change: c.1543-5C>T on transcript NM_020631.6 (MANE Select); 5 bases into the intron before coding-DNA position 1543, C replaced by T.
Molecular consequence: intron variant.
Genome position (GRCh38, 1-based): chr1:6,470,648, G>A on the plus strand (C>T on the coding strand, the complement: PLEKHG5 is on the minus strand). VCF-style: chr1-6470648-G-A. GRCh37 (hg19) VCF-style: chr1-6530708-G-A.
Other names: c.1543-5C>T (NM_198681.4, NM_001265594.3, NM_001042664.2 and 1 more transcripts); c.1654-5C>T (NM_001042663.3, NM_001265592.2); c.1750-5C>T (NM_001265593.2).
Identifiers: ClinVar variation 1160373 (VCV001160373.18), dbSNP rs1281567980, ClinGen allele CA737849558.
Genomic context (GRCh38, chr1:6,470,648, plus strand): 5'-TGCCGCTGCCGCATGCACGCGTTCACGTGGTGGATGAAGCGCTCCACGGAGCCGATCTAG[G>A]GGCAGGTGAGGGAGCTTCAGGTCCAGGGTCATGACGGAGCAGAGAGCCGCGCAGGGGGGA-3'

ClinVar aggregate classification (germline): Conflicting classifications of pathogenicity. Review status: criteria provided, conflicting classifications (1 of 4 stars). 2 submissions from 2 submitters: Uncertain significance (1); Likely benign (1). Last evaluated 2024-01-29.

Conditions:
Neuronopathy, distal hereditary motor, autosomal recessive 4. Also called: Autosomal recessive lower motor neuron disease with childhood onset; NEUROPATHY, DISTAL HEREDITARY MOTOR, AUTOSOMAL RECESSIVE 4. Identifiers: Orphanet 206580, MedGen C1970211, MONDO:0012608, OMIM 611067.
Charcot-Marie-Tooth disease recessive intermediate C. Also called: CHARCOT-MARIE-TOOTH NEUROPATHY, RECESSIVE INTERMEDIATE C. Identifiers: Orphanet 369867, MedGen C3809309, MONDO:0014154, OMIM 615376.
Inborn genetic diseases. Identifiers: MedGen C0950123, MeSH D030342.

Allele frequency attached by ClinVar (database versions not stated): TOPMed below 0.00001.
gnomAD v4.1: 2 of 1,564,800 alleles (0.00013%); highest among the groups gnomAD compares: Non-Finnish European, 0.00017%; no homozygotes.

Submissions (2):

Labcorp Genetics (formerly Invitae), Labcorp
Classification: Likely benign for Neuronopathy, distal hereditary motor, autosomal recessive 4; Charcot-Marie-Tooth disease recessive intermediate C. Last evaluated: 2024-01-29. Review status: criteria provided, single submitter. Criteria: Invitae Variant Classification Sherloc (09022015). Collection method: clinical testing. Allele origin: germline.

Ambry Genetics
Classification: Uncertain significance for Inborn genetic diseases. Last evaluated: 2021-10-06. Review status: criteria provided, single submitter. Criteria: Ambry Variant Classification Scheme 2023. Collection method: clinical testing. Allele origin: germline.
Comment: The c.1543-5C>T intronic variant results from a C to T substitution 5 nucleotides upstream from coding exon 14 in the PLEKHG5 gene. This nucleotide position is not well conserved in available vertebrate species. In silico splice site analysis predicts that this alteration will not have any significant effect on splicing. Since supporting evidence is limited at this time, the clinical significance of this alteration remains unclear.